The following is an entry in ClinVar:

NM_031935.3(HMCN1):c.8218A>T (p.Thr2740Ser)

Gene: HMCN1 (hemicentin 1; plus strand). Cytogenetic location: 1q31.1.
Variant type: single nucleotide variant.
Coding change: c.8218A>T on transcript NM_031935.3 (MANE Select); coding-DNA position 8218, A replaced by T.
Protein change: p.Thr2740Ser; replaces threonine 2740 with serine.
Molecular consequence: missense variant.
Genome position (GRCh38, 1-based): chr1:186,074,819, A>T. VCF-style: chr1-186074819-A-T. GRCh37 (hg19) VCF-style: chr1-186043951-A-T.
Other names: short protein forms T2740S.
Identifiers: ClinVar variation 2715600 (VCV002715600.3), dbSNP rs2527823586, ClinGen allele CA343911335.

ClinVar aggregate classification (germline): Uncertain significance (1 of 4 stars; one submission).

Submission:

Labcorp Genetics (formerly Invitae), Labcorp
Classification: Uncertain significance. Last evaluated: 2023-08-01. Review status: criteria provided, single submitter. Criteria: Invitae Variant Classification Sherloc (09022015). Collection method: clinical testing. Allele origin: germline.
Comment: In summary, the available evidence is currently insufficient to determine the role of this variant in disease. Therefore, it has been classified as a Variant of Uncertain Significance. An algorithm developed to predict the effect of missense changes on protein structure and function (PolyPhen-2) suggests that this variant is likely to be disruptive. This variant has not been reported in the literature in individuals affected with HMCN1-related conditions. This variant is not present in population databases (gnomAD no frequency). This sequence change replaces threonine, which is neutral and polar, with serine, which is neutral and polar, at codon 2740 of the HMCN1 protein (p.Thr2740Ser).